The following is an entry in ClinVar:

NM_022124.6(CDH23):c.2701G>A (p.Glu901Lys)

Gene: CDH23 (cadherin related 23; plus strand). Cytogenetic location: 10q22.1.
Variant type: single nucleotide variant.
Coding change: c.2701G>A on transcript NM_022124.6 (MANE Select); coding-DNA position 2701, G replaced by A.
Protein change: p.Glu901Lys; replaces glutamic acid 901 with lysine.
Molecular consequence: missense variant.
Genome position (GRCh38, 1-based): chr10:71,702,662, G>A. VCF-style: chr10-71702662-G-A. GRCh37 (hg19) VCF-style: chr10-73462419-G-A.
Other names: c.2701G>A, p.Glu901Lys (NM_001171930.2, NM_001171931.2); short protein forms E901K.
Identifiers: ClinVar variation 228248 (VCV000228248.4), dbSNP rs876657636, ClinGen allele CA10576811.

ClinVar aggregate classification (germline): Likely pathogenic (1 of 4 stars; one submission).

Conditions:
Rare genetic deafness. Identifiers: Orphanet 96210, MedGen C5680250.

Submission:

Laboratory for Molecular Medicine, Mass General Brigham Personalized Medicine
Classification: Likely pathogenic for Rare genetic deafness. Last evaluated: 2015-11-05. Review status: criteria provided, single submitter. Criteria: LMM Criteria. Collection method: clinical testing. Allele origin: germline. Inheritance: Autosomal recessive inheritance. Observed: 2 variant alleles.
Comment: The p.Glu901Lys variant in CDH23 has not been previously reported in individuals with hearing loss or Usher syndrome and was absent from large population studie s. Computational prediction tools and conservation analyses suggest that the p.G lu901Lys variant may impact the protein. In summary, althou gh additional studies are required to fully establish its clinical significance, this variant is likely pathogenic.